The following is an entry in ClinVar:

ClinVar aggregate classification (germline): Likely pathogenic (1 of 4 stars; one submission).

Conditions:
Cone-rod dystrophy 9 (CORD9). Identifiers: Orphanet 1872, MedGen C1423873, MONDO:0013002, OMIM 612775.

Submission:

Centre for Human Genetics, University of Kinshasa
Classification: Likely pathogenic for Cone-rod dystrophy 9. Last evaluated: 2024-03-07. Review status: criteria provided, single submitter. Criteria: ACMG/ClinGen CNV Guidelines, 2019. Collection method: research. Allele origin: unknown. Inheritance: Autosomal recessive inheritance. Affected: yes. Observed: 3 compound heterozygotes. Clinical features observed: Night blindness (HP:0000662), Blindness (HP:0000618), Spicular pigmentation of the retina (HP:0007737), Abnormal retinal vascular morphology (HP:0008046), Retinal pigment epithelial atrophy (HP:0007722).
Comment: The ~2 kb deletion in the ADAM9 constitutes a loss encompassing exon 16 of the gene, which is expected to result in a frameshift, thereby predicted to disrupt the reading frame. The breakpoints are located within introns 15 and 16 of the ADAM9. This deletion has not been previously reported and is absent from the gnomAD CNVs v4.1.0 in a region of good sequencing coverage. So the variant is presumed to be rare. Based on the available evidence and application of ACMG criteria, the ~2 kb loss variant is classified as likely pathogenic for cone-rod dystrophy.

NM_003816.3(ADAM9):c.1698-1715_1881+156del

Gene: ADAM9 (ADAM metallopeptidase domain 9; plus strand). Cytogenetic location: 8p11.22.
Variant type: Deletion.
Coding change: c.1698-1715_1881+156del on transcript NM_003816.3 (MANE Select); 1715 bases into the intron before coding-DNA position 1698 through 156 bases into the intron after coding-DNA position 1881, 2,055 bases deleted.
Molecular consequence: splice acceptor variant, splice donor variant.
Genome position (GRCh38, 1-based): chr8:39,075,513-39,077,567, 2,055 bases deleted. GRCh37 (hg19): chr8:38,933,032-38,935,086.
Identifiers: ClinVar variation 3341288 (VCV003341288.1).